The following is an entry in ClinVar:

ClinVar aggregate classification (germline): Conflicting classifications of pathogenicity. Review status: criteria provided, conflicting classifications (1 of 4 stars). 2 submissions from 2 submitters: Uncertain significance (1); Likely benign (1). Last evaluated 2026-01-06.

Conditions:
Cardiovascular phenotype. Identifiers: MedGen CN230736.
Noonan syndrome 9 (NS9). Identifiers: Orphanet 648, MedGen C4225282, MONDO:0014691, OMIM 616559.

Allele frequency attached by ClinVar (database versions not stated): gnomAD 0.00001; TOPMed 0.00001; gnomAD exomes 0.00002; ExAC 0.00003; ESP Exome Variant Server 0.00015.
gnomAD v4.1: 25 of 1,608,716 alleles (0.0016%); highest among the groups gnomAD compares: Non-Finnish European, 0.0021%; no homozygotes.

Submissions (2):

Ambry Genetics
Classification: Uncertain significance for Cardiovascular phenotype. Last evaluated: 2026-01-06. Review status: criteria provided, single submitter. Criteria: Ambry Variant Classification Scheme 2023. Collection method: clinical testing. Allele origin: germline.
Comment: The p.V402A variant (also known as c.1205T>C), located in coding exon 10 of the SOS2 gene, results from a T to C substitution at nucleotide position 1205. The valine at codon 402 is replaced by alanine, an amino acid with similar properties. This amino acid position is conserved. In addition, this alteration is predicted to be tolerated by in silico analysis. Based on the available evidence, the clinical significance of this variant remains unclear.

Labcorp Genetics (formerly Invitae), Labcorp
Classification: Likely benign for Noonan syndrome 9. Last evaluated: 2025-10-02. Review status: criteria provided, single submitter. Criteria: Invitae Variant Classification Sherloc (09022015). Collection method: clinical testing. Allele origin: germline.

NM_006939.4(SOS2):c.1205T>C (p.Val402Ala)

Gene: SOS2 (SOS Ras/Rho guanine nucleotide exchange factor 2; minus strand). Cytogenetic location: 14q21.3.
Variant type: single nucleotide variant.
Coding change: c.1205T>C on transcript NM_006939.4 (MANE Select); coding-DNA position 1205, T replaced by C.
Protein change: p.Val402Ala; replaces valine 402 with alanine.
Molecular consequence: missense variant.
Genome position (GRCh38, 1-based): chr14:50,160,078, A>G on the plus strand (T>C on the coding strand, the complement: SOS2 is on the minus strand). VCF-style: chr14-50160078-A-G. GRCh37 (hg19) VCF-style: chr14-50626796-A-G.
Other names: c.1205T>C (NM_006939.2); c.1106T>C, p.Val369Ala (NM_001411020.1); short protein forms V369A, V402A.
Identifiers: ClinVar variation 2770399 (VCV002770399.4), dbSNP rs139143221, ClinGen allele CA7177309.